The following is an entry in ClinVar:

NM_003482.4(KMT2D):c.15317G>A (p.Arg5106His)

Gene: KMT2D (lysine methyltransferase 2D; minus strand). Cytogenetic location: 12q13.12.
Variant type: single nucleotide variant.
Coding change: c.15317G>A on transcript NM_003482.4 (MANE Select); coding-DNA position 15317, G replaced by A.
Protein change: p.Arg5106His; replaces arginine 5106 with histidine.
Molecular consequence: missense variant.
Genome position (GRCh38, 1-based): chr12:49,026,649, C>T on the plus strand (G>A on the coding strand, the complement: KMT2D is on the minus strand). VCF-style: chr12-49026649-C-T. GRCh37 (hg19) VCF-style: chr12-49420432-C-T.
Other names: short protein forms R5106H.
Identifiers: ClinVar variation 134729 (VCV000134729.4), dbSNP rs587778486, ClinGen allele CA160629.

ClinVar aggregate classification (germline): Benign. Review status: criteria provided, single submitter (1 of 4 stars). 2 submissions from 2 submitters: Benign (1). 1 of the submissions does not count toward it. Last evaluated 2022-10-27.

Conditions:
Kabuki syndrome. Also called: NIIKAWA-KUROKI SYNDROME; Kabuki make-up syndrome. Identifiers: Orphanet 2322, MedGen C0796004, MONDO:0016512.

Allele frequency attached by ClinVar (database versions not stated): gnomAD exomes below 0.00001.
gnomAD v4.1: 5 of 1,614,012 alleles (0.00031%); highest among the groups gnomAD compares: East Asian, 0.0022%; no homozygotes.

Submissions (2):

Labcorp Genetics (formerly Invitae), Labcorp
Classification: Benign for Kabuki syndrome. Last evaluated: 2022-10-27. Review status: criteria provided, single submitter. Criteria: Invitae Variant Classification Sherloc (09022015). Collection method: clinical testing. Allele origin: germline.

ITMI
No classification provided. Condition: AllHighlyPenetrant. Last evaluated: 2013-09-19. Review status: no classification provided. Collection method: reference population. Allele origin: germline. Not counted in ClinVar's aggregate classification.
Comment: Please see associated publication for description of ethnicities

Literature cited by the submitters: PubMed 24728327 (cited by ITMI).